The following is an entry in ClinVar:

ClinVar aggregate classification (germline): Uncertain significance (1 of 4 stars; one submission).

gnomAD v4.1: 1 of 1,551,666 alleles (0.000064%); highest among the groups gnomAD compares: Admixed American, 0.002%; no homozygotes.

Submission:

Labcorp Genetics (formerly Invitae), Labcorp
Classification: Uncertain significance. Last evaluated: 2024-07-30. Review status: criteria provided, single submitter. Criteria: Invitae Variant Classification Sherloc (09022015). Collection method: clinical testing. Allele origin: germline.
Comment: This sequence change replaces glutamic acid, which is acidic and polar, with lysine, which is basic and polar, at codon 1408 of the NIN protein (p.Glu1408Lys). This variant is present in population databases (no rsID available, gnomAD 0.004%). This variant has not been reported in the literature in individuals affected with NIN-related conditions. An algorithm developed to predict the effect of missense changes on protein structure and function outputs the following: PolyPhen-2: "Benign". The lysine amino acid residue is found in multiple mammalian species, which suggests that this missense change does not adversely affect protein function. In summary, the available evidence is currently insufficient to determine the role of this variant in disease. Therefore, it has been classified as a Variant of Uncertain Significance.

NM_020921.4(NIN):c.4222G>A (p.Glu1408Lys)

Gene: NIN (ninein; minus strand). Cytogenetic location: 14q22.1.
Variant type: single nucleotide variant.
Coding change: c.4222G>A on transcript NM_020921.4 (MANE Select); coding-DNA position 4222, G replaced by A.
Protein change: p.Glu1408Lys; replaces glutamic acid 1408 with lysine.
Molecular consequence: missense variant. On other transcripts: intron variant (1).
Genome position (GRCh38, 1-based): chr14:50,756,808, C>T on the plus strand (G>A on the coding strand, the complement: NIN is on the minus strand). VCF-style: chr14-50756808-C-T. GRCh37 (hg19) VCF-style: chr14-51223526-C-T.
Other names: c.4222G>A, p.Glu1408Lys (NM_182944.3, NM_182946.2); c.2400-1941G>A (NM_016350.5); short protein forms E1408K.
Identifiers: ClinVar variation 3634970 (VCV003634970.2).